The following is an entry in ClinVar:

ClinVar aggregate classification (germline): Uncertain significance. Review status: criteria provided, multiple submitters, no conflicts (2 of 4 stars). 2 submissions from 2 submitters: Uncertain significance (2). Last evaluated 2025-07-13.

Conditions:
Cardiovascular phenotype. Identifiers: MedGen CN230736.
RASopathy. Also called: Noonan spectrum disorder; rasopathies. Identifiers: Orphanet 536391, MedGen C5555857, MONDO:0021060.

Submissions (2):

Ambry Genetics
Classification: Uncertain significance for Cardiovascular phenotype. Last evaluated: 2025-07-13. Review status: criteria provided, single submitter. Criteria: Ambry Variant Classification Scheme 2023. Collection method: clinical testing. Allele origin: germline.

Labcorp Genetics (formerly Invitae), Labcorp
Classification: Uncertain significance for RASopathy. Last evaluated: 2023-11-30. Review status: criteria provided, single submitter. Criteria: Invitae Variant Classification Sherloc (09022015). Collection method: clinical testing. Allele origin: germline.
Comment: This sequence change replaces threonine, which is neutral and polar, with isoleucine, which is neutral and non-polar, at codon 394 of the MAP2K2 protein (p.Thr394Ile). This variant is not present in population databases (gnomAD no frequency). This variant has not been reported in the literature in individuals affected with MAP2K2-related conditions. Advanced modeling of protein sequence and biophysical properties (such as structural, functional, and spatial information, amino acid conservation, physicochemical variation, residue mobility, and thermodynamic stability) performed at Invitae indicates that this missense variant is not expected to disrupt MAP2K2 protein function with a negative predictive value of 95%. In summary, the available evidence is currently insufficient to determine the role of this variant in disease. Therefore, it has been classified as a Variant of Uncertain Significance.

NM_030662.4(MAP2K2):c.1181C>T (p.Thr394Ile)

Gene: MAP2K2 (mitogen-activated protein kinase kinase 2; minus strand). Cytogenetic location: 19p13.3.
Variant type: single nucleotide variant.
Coding change: c.1181C>T on transcript NM_030662.4 (MANE Select); coding-DNA position 1181, C replaced by T.
Protein change: p.Thr394Ile; replaces threonine 394 with isoleucine.
Molecular consequence: missense variant.
Genome position (GRCh38, 1-based): chr19:4,090,620, G>A on the plus strand (C>T on the coding strand, the complement: MAP2K2 is on the minus strand). VCF-style: chr19-4090620-G-A. GRCh37 (hg19) VCF-style: chr19-4090618-G-A.
Other names: short protein forms T394I.
Identifiers: ClinVar variation 2912384 (VCV002912384.4), dbSNP rs1348666273, ClinGen allele CA403380703.